The following is an entry in ClinVar:

NM_000051.4(ATM):c.8318C>A (p.Thr2773Asn)

Genes: ATM (ATM serine/threonine kinase; plus strand), C11orf65 (chromosome 11 open reading frame 65; minus strand). Cytogenetic location: 11q22.3.
Variant type: single nucleotide variant.
Coding change: c.8318C>A on transcript NM_000051.4 (MANE Select); coding-DNA position 8318, C replaced by A.
Protein change: p.Thr2773Asn; replaces threonine 2773 with asparagine.
Molecular consequence: missense variant. On other transcripts: intron variant (2).
Genome position (GRCh38, 1-based): chr11:108,343,271, C>A. VCF-style: chr11-108343271-C-A. GRCh37 (hg19) VCF-style: chr11-108213998-C-A.
Other names: c.8318C>A, p.Thr2773Asn (NM_001351834.2); c.641-34200G>T (NM_001330368.2); c.695-7979G>T (NM_001351110.2); short protein forms T2773N.
Identifiers: ClinVar variation 186915 (VCV000186915.12), dbSNP rs786203321, ClinGen allele CA196229.

ClinVar aggregate classification (germline): Uncertain significance. Review status: criteria provided, multiple submitters, no conflicts (2 of 4 stars). 2 submissions from 2 submitters: Uncertain significance (2). Last evaluated 2025-07-31.

Conditions:
Hereditary cancer-predisposing syndrome. Also called: Hereditary Cancer Syndrome; Tumor predisposition; Neoplastic Syndromes, Hereditary; Hereditary neoplastic syndrome. Identifiers: Orphanet 140162, MedGen C0027672, MeSH D009386, MONDO:0015356.
Ataxia-telangiectasia syndrome (AT). Also called: ATAXIA-TELANGIECTASIA, COMPLEMENTATION GROUP A; ATAXIA-TELANGIECTASIA, FRESNO VARIANT; Ataxia-telangiectasia; Ataxia-telangiectasia, complementation group E; Cerebello-oculocutaneous telangiectasia; Immunodeficiency with ataxia telangiectasia. Identifiers: Orphanet 100, MedGen C0004135, MONDO:0008840, OMIM 208900.

gnomAD v4.1: 1 of 1,614,024 alleles (0.000062%); highest among the groups gnomAD compares: Non-Finnish European, 0.000085%; no homozygotes.

Submissions (2):

Labcorp Genetics (formerly Invitae), Labcorp
Classification: Uncertain significance for Ataxia-telangiectasia syndrome. Last evaluated: 2025-07-31. Review status: criteria provided, single submitter. Criteria: Invitae Variant Classification Sherloc (09022015). Collection method: clinical testing. Allele origin: germline.
Comment: This sequence change replaces threonine, which is neutral and polar, with asparagine, which is neutral and polar, at codon 2773 of the ATM protein (p.Thr2773Asn). This variant is not present in population databases (gnomAD no frequency). This variant has not been reported in the literature in individuals affected with ATM-related conditions. ClinVar contains an entry for this variant (Variation ID: 186915). Invitae Evidence Modeling of protein sequence and biophysical properties (such as structural, functional, and spatial information, amino acid conservation, physicochemical variation, residue mobility, and thermodynamic stability) indicates that this missense variant is expected to disrupt ATM protein function with a positive predictive value of 95%. In summary, the available evidence is currently insufficient to determine the role of this variant in disease. Therefore, it has been classified as a Variant of Uncertain Significance.

Ambry Genetics
Classification: Uncertain significance for Hereditary cancer-predisposing syndrome. Last evaluated: 2025-05-16. Review status: criteria provided, single submitter. Criteria: Ambry Variant Classification Scheme 2023. Collection method: clinical testing. Allele origin: germline.
Comment: The p.T2773N variant (also known as c.8318C>A), located in coding exon 56 of the ATM gene, results from a C to A substitution at nucleotide position 8318. The threonine at codon 2773 is replaced by asparagine, an amino acid with similar properties. This amino acid position is highly conserved in available vertebrate species. In addition, the in silico prediction for this alteration is inconclusive. Based on the available evidence, the clinical significance of this variant remains unclear.